The following is an entry in ClinVar:

ClinVar aggregate classification (germline): Likely benign. Review status: criteria provided, multiple submitters, no conflicts (2 of 4 stars). 3 submissions from 3 submitters: Likely benign (2). 1 of the submissions does not count toward it. Last evaluated 2025-12-19.

Conditions:
AEBP1-related disorder. Also called: AEBP1-related condition.

Allele frequency attached by ClinVar (database versions not stated): TOPMed 0.00008; gnomAD exomes 0.00009; ExAC 0.00010; gnomAD 0.00011; 1000 Genomes Project 30x 0.00016; 1000 Genomes Project 0.00020.
gnomAD v4.1: 159 of 1,613,766 alleles (0.0099%); highest among the groups gnomAD compares: South Asian, 0.055%; no homozygotes.

Submissions (3):

Labcorp Genetics (formerly Invitae), Labcorp
Classification: Likely benign. Last evaluated: 2025-12-19. Review status: criteria provided, single submitter. Criteria: Invitae Variant Classification Sherloc (09022015). Collection method: clinical testing. Allele origin: germline.

CeGaT Center for Human Genetics Tuebingen
Classification: Likely benign. Last evaluated: 2025-11-01. Review status: criteria provided, single submitter. Criteria: CeGaT Center For Human Genetics Tuebingen Variant Classification Criteria Version 2. Collection method: clinical testing. Allele origin: germline. Affected: yes. Observed: 1 variant allele.
Comment: AEBP1: BP4, BP7

PreventionGenetics, part of Exact Sciences
Classification: Likely benign for AEBP1-related condition. Last evaluated: 2019-08-27. Review status: no assertion criteria provided. Collection method: clinical testing. Allele origin: germline. Not counted in ClinVar's aggregate classification.
Comment: This variant is classified as likely benign based on ACMG/AMP sequence variant interpretation guidelines (Richards et al. 2015 PMID: 25741868, with internal and published modifications).

NM_001129.5(AEBP1):c.1311C>T (p.Asp437=)

Gene: AEBP1 (AE binding protein 1; plus strand). Cytogenetic location: 7p13.
Variant type: single nucleotide variant.
Coding change: c.1311C>T on transcript NM_001129.5 (MANE Select); coding-DNA position 1311, C replaced by T.
Protein change: p.Asp437=; no amino-acid change (aspartic acid 437 retained).
Molecular consequence: synonymous variant.
Genome position (GRCh38, 1-based): chr7:44,110,257, C>T. VCF-style: chr7-44110257-C-T. GRCh37 (hg19) VCF-style: chr7-44149856-C-T.
Other names: c.1311C>T (NM_001129.4).
Identifiers: ClinVar variation 2158633 (VCV002158633.12), dbSNP rs570426954, ClinGen allele CA4237854.
Genomic context (GRCh38, chr7:44,110,257, plus strand): 5'-CCCTGGACAGACCGGTGCCACTGAGGACGACTACTATGATGGTGCGTGGTGTGCCGAGGA[C>T]GATGCCAGGACCCAGTGGATAGAGGTGGACACCAGGAGGACTACCCGGTTCACAGGCGTC-3'
Protein context (NP_001120.3, residues 427-447): DYYDGAWCAE[Asp437=]DARTQWIEVD